The following is an entry in ClinVar:

NM_001161352.2(KCNMA1):c.1442T>C (p.Ile481Thr)

Gene: KCNMA1 (potassium calcium-activated channel subfamily M alpha 1; minus strand). Cytogenetic location: 10q22.3.
Variant type: single nucleotide variant.
Coding change: c.1442T>C on transcript NM_001161352.2 (MANE Select); coding-DNA position 1442, T replaced by C.
Protein change: p.Ile481Thr; replaces isoleucine 481 with threonine.
Molecular consequence: missense variant.
Genome position (GRCh38, 1-based): chr10:77,084,718, A>G on the plus strand (T>C on the coding strand, the complement: KCNMA1 is on the minus strand). VCF-style: chr10-77084718-A-G. GRCh37 (hg19) VCF-style: chr10-78844476-A-G.
Other names: c.1442T>C (NM_002247.3); c.1442T>C, p.Ile481Thr (NM_001014797.3, NM_001161353.2, NM_001271519.2 and 7 more transcripts); c.1280T>C, p.Ile427Thr (NM_001271518.2); c.902T>C, p.Ile301Thr (NM_001322838.2); short protein forms I301T, I427T, I481T.
Identifiers: ClinVar variation 1358818 (VCV001358818.7), dbSNP rs199570223, ClinGen allele CA210098170.

ClinVar aggregate classification (germline): Uncertain significance. Review status: criteria provided, multiple submitters, no conflicts (2 of 4 stars). 2 submissions from 2 submitters: Uncertain significance (2). Last evaluated 2024-01-02.

Conditions:
Inborn genetic diseases. Identifiers: MedGen C0950123, MeSH D030342.
Generalized epilepsy-paroxysmal dyskinesia syndrome (PNKD3). Also called: Generalized epilepsy and paroxysmal dyskinesia; Paroxysmal nonkinesigenic dyskinesia, 3, with or without generalized epilepsy. Identifiers: Orphanet 79137, MedGen C5574945, MONDO:0012276, OMIM 609446.

Allele frequency attached by ClinVar (database versions not stated): gnomAD exomes below 0.00001 and 0.00001; gnomAD 0.00001.

Submissions (2):

Labcorp Genetics (formerly Invitae), Labcorp
Classification: Uncertain significance for Generalized epilepsy-paroxysmal dyskinesia syndrome. Last evaluated: 2024-01-02. Review status: criteria provided, single submitter. Criteria: Invitae Variant Classification Sherloc (09022015). Collection method: clinical testing. Allele origin: germline.
Comment: This sequence change replaces isoleucine, which is neutral and non-polar, with threonine, which is neutral and polar, at codon 481 of the KCNMA1 protein (p.Ile481Thr). This variant is present in population databases (rs199570223, gnomAD 0.0009%). This variant has not been reported in the literature in individuals affected with KCNMA1-related conditions. ClinVar contains an entry for this variant (Variation ID: 1358818). An algorithm developed to predict the effect of missense changes on protein structure and function (PolyPhen-2) suggests that this variant is likely to be disruptive. In summary, the available evidence is currently insufficient to determine the role of this variant in disease. Therefore, it has been classified as a Variant of Uncertain Significance.

Ambry Genetics
Classification: Uncertain significance for Inborn genetic diseases. Last evaluated: 2022-12-01. Review status: criteria provided, single submitter. Criteria: Ambry Variant Classification Scheme 2023. Collection method: clinical testing. Allele origin: germline.